The following is an entry in ClinVar:

NM_016955.4(SEPSECS):c.935-2A>G

Gene: SEPSECS (Sep (O-phosphoserine) tRNA:Sec (selenocysteine) tRNA synthase; minus strand). Cytogenetic location: 4p15.2.
Variant type: single nucleotide variant.
Coding change: c.935-2A>G on transcript NM_016955.4 (MANE Select); the canonical splice acceptor site of the intron before coding-DNA position 935, A replaced by G.
Molecular consequence: splice acceptor variant.
Genome position (GRCh38, 1-based): chr4:25,144,867, T>C on the plus strand (A>G on the coding strand, the complement: SEPSECS is on the minus strand). VCF-style: chr4-25144867-T-C. GRCh37 (hg19) VCF-style: chr4-25146489-T-C.
Other names: c.1190-2A>G (NM_001410714.1).
Identifiers: ClinVar variation 1506058 (VCV001506058.8), dbSNP rs2109021958, ClinGen allele CA356537004.

ClinVar aggregate classification (germline): Likely pathogenic (1 of 4 stars; one submission).

Allele frequency attached by ClinVar (database versions not stated): gnomAD exomes below 0.00001.
gnomAD v4.1: 3 of 1,610,928 alleles (0.00019%); highest among the groups gnomAD compares: Non-Finnish European, 0.00025%; no homozygotes.

Submission:

Labcorp Genetics (formerly Invitae), Labcorp
Classification: Likely pathogenic. Last evaluated: 2020-12-03. Review status: criteria provided, single submitter. Criteria: Invitae Variant Classification Sherloc (09022015). Collection method: clinical testing. Allele origin: germline.
Comment: In summary, the currently available evidence indicates that the variant is pathogenic, but additional data are needed to prove that conclusively. Therefore, this variant has been classified as Likely Pathogenic. Algorithms developed to predict the effect of sequence changes on RNA splicing suggest that this variant may disrupt the consensus splice site, but this prediction has not been confirmed by published transcriptional studies. This variant has not been reported in the literature in individuals with SEPSECS-related conditions. This variant is not present in population databases (ExAC no frequency). This sequence change affects an acceptor splice site in intron 7 of the SEPSECS gene. It is expected to disrupt RNA splicing. Variants that disrupt the donor or acceptor splice site typically lead to a loss of protein function (PMID: 16199547), and loss-of-function variants in SEPSECS are known to be pathogenic (PMID: 25558065, 25590979, 26115735).

Literature cited by the submitters: PubMed 16199547; PubMed 25558065; PubMed 25590979; PubMed 26115735.